The following is an entry in ClinVar:

ClinVar aggregate classification (germline): Uncertain significance (1 of 4 stars; one submission).

Conditions:
Hereditary cancer-predisposing syndrome. Also called: Neoplastic Syndromes, Hereditary; Tumor predisposition; Hereditary neoplastic syndrome; Hereditary Cancer Syndrome. Identifiers: Orphanet 140162, MedGen C0027672, MeSH D009386, MONDO:0015356.

Submission:

Ambry Genetics
Classification: Uncertain significance for Hereditary cancer-predisposing syndrome. Last evaluated: 2024-04-14. Review status: criteria provided, single submitter. Criteria: Ambry Variant Classification Scheme 2023. Collection method: clinical testing. Allele origin: germline.
Comment: The p.G334S variant (also known as c.1000G>A), located in coding exon 8 of the SUFU gene, results from a G to A substitution at nucleotide position 1000. The glycine at codon 334 is replaced by serine, an amino acid with similar properties. This amino acid position is conserved. In addition, this alteration is predicted to be tolerated by in silico analysis. Based on the available evidence, the clinical significance of this variant remains unclear.

NM_016169.4(SUFU):c.1000G>A (p.Gly334Ser)

Gene: SUFU (SUFU negative regulator of hedgehog signaling; plus strand). Cytogenetic location: 10q24.32.
Variant type: single nucleotide variant.
Coding change: c.1000G>A on transcript NM_016169.4 (MANE Select); coding-DNA position 1000, G replaced by A.
Protein change: p.Gly334Ser; replaces glycine 334 with serine.
Molecular consequence: missense variant.
Genome position (GRCh38, 1-based): chr10:102,599,522, G>A. VCF-style: chr10-102599522-G-A. GRCh37 (hg19) VCF-style: chr10-104359279-G-A.
Other names: c.1000G>A, p.Gly334Ser (NM_001178133.2); short protein forms G334S.
Identifiers: ClinVar variation 3323544 (VCV003323544.1).